The following is an entry in ClinVar:

NM_001128178.3(NPHP1):c.1558A>G (p.Met520Val)

Gene: NPHP1 (nephrocystin 1; minus strand). Cytogenetic location: 2q13.
Variant type: single nucleotide variant.
Coding change: c.1558A>G on transcript NM_001128178.3 (MANE Select); coding-DNA position 1558, A replaced by G.
Protein change: p.Met520Val; replaces methionine 520 with valine.
Molecular consequence: missense variant.
Genome position (GRCh38, 1-based): chr2:110,131,763, T>C on the plus strand (A>G on the coding strand, the complement: NPHP1 is on the minus strand). VCF-style: chr2-110131763-T-C. GRCh37 (hg19) VCF-style: chr2-110889340-T-C.
Other names: c.1726A>G, p.Met576Val (NM_000272.5); c.1369A>G, p.Met457Val (NM_001128179.3); c.1555A>G, p.Met519Val (NM_001374256.1); c.1558A>G, p.Met520Val (NM_001374257.1); c.1723A>G, p.Met575Val (NM_207181.4); short protein forms M576V, M457V, M520V, M575V, M519V.
Identifiers: ClinVar variation 594939 (VCV000594939.11), dbSNP rs141786398, ClinGen allele CA53525414.
Genomic context (GRCh38, chr2:110,131,763, plus strand): 5'-CTTTCAGGAGCACATCTCCAAGAATTTGTCGATAAAATATCAACAAGTGAATAGAACACA[T>C]ATTTCCAATTAATGTTTCTGGCAGTAGACTATTAAAGAAGAAAAAAATGTATTCATTAGA-3'
Protein context (NP_001121650.1, residues 510-530): SLLPETLIGN[Met520Val]CSIHLLIFYR

ClinVar aggregate classification (germline): Uncertain significance. Review status: criteria provided, multiple submitters, no conflicts (2 of 4 stars). 2 submissions from 2 submitters: Uncertain significance (2). Last evaluated 2023-08-10.

Conditions:
Nephronophthisis. Also called: Juvenile Nephronophthisis. Identifiers: Orphanet 655, MedGen C0687120, MONDO:0019005, HP:0000090.

Allele frequency attached by ClinVar (database versions not stated): gnomAD exomes below 0.00001; gnomAD 0.00001; TOPMed 0.00003; ESP Exome Variant Server 0.00015.
gnomAD v4.1: 4 of 1,609,890 alleles (0.00025%); highest among the groups gnomAD compares: African/African-American, 0.004%; no homozygotes.

Submissions (2):

Labcorp Genetics (formerly Invitae), Labcorp
Classification: Uncertain significance for Nephronophthisis. Last evaluated: 2023-08-10. Review status: criteria provided, single submitter. Criteria: Invitae Variant Classification Sherloc (09022015). Collection method: clinical testing. Allele origin: germline.
Comment: This variant has not been reported in the literature in individuals affected with NPHP1-related conditions. ClinVar contains an entry for this variant (Variation ID: 594939). Advanced modeling of protein sequence and biophysical properties (such as structural, functional, and spatial information, amino acid conservation, physicochemical variation, residue mobility, and thermodynamic stability) performed at Invitae indicates that this missense variant is not expected to disrupt NPHP1 protein function. In summary, the available evidence is currently insufficient to determine the role of this variant in disease. Therefore, it has been classified as a Variant of Uncertain Significance. This variant is present in population databases (rs141786398, gnomAD 0.008%). This sequence change replaces methionine, which is neutral and non-polar, with valine, which is neutral and non-polar, at codon 576 of the NPHP1 protein (p.Met576Val).

Eurofins Ntd Llc (ga)
Classification: Uncertain significance. Last evaluated: 2017-11-08. Review status: criteria provided, single submitter. Criteria: EGL Classification Definitions 2015. Collection method: clinical testing. Allele origin: germline. Observed: 1 variant allele, 1 heterozygote.